The following is an entry in ClinVar:

NM_005076.5(CNTN2):c.1295G>A (p.Arg432His)

Gene: CNTN2 (contactin 2; plus strand). Cytogenetic location: 1q32.1.
Variant type: single nucleotide variant.
Coding change: c.1295G>A on transcript NM_005076.5 (MANE Select); coding-DNA position 1295, G replaced by A.
Protein change: p.Arg432His; replaces arginine 432 with histidine.
Molecular consequence: missense variant. On other transcripts: non-coding transcript variant (1).
Genome position (GRCh38, 1-based): chr1:205,064,376, G>A. VCF-style: chr1-205064376-G-A. GRCh37 (hg19) VCF-style: chr1-205033504-G-A.
Other names: c.1295G>A, p.Arg432His (NM_001346083.2); short protein forms R432H.
Identifiers: ClinVar variation 571898 (VCV000571898.8), dbSNP rs200098924, ClinGen allele CA1351331.

ClinVar aggregate classification (germline): Uncertain significance (1 of 4 stars; one submission).

Conditions:
Epilepsy, familial adult myoclonic, 5 (EPEO5). Also called: CORTICAL MYOCLONIC TREMOR WITH EPILEPSY, FAMILIAL, 5. Identifiers: Orphanet 86814, MedGen C3809374, MONDO:0014167, OMIM 615400.

Allele frequency attached by ClinVar (database versions not stated): TOPMed 0.00010; gnomAD 0.00011 and 0.00012; ESP Exome Variant Server 0.00015; 1000 Genomes Project 30x 0.00016; 1000 Genomes Project 0.00020.
gnomAD v4.1: 316 of 1,609,554 alleles (0.02%); highest among the groups gnomAD compares: Non-Finnish European, 0.026%; no homozygotes.

Submission:

Labcorp Genetics (formerly Invitae), Labcorp
Classification: Uncertain significance for Epilepsy, familial adult myoclonic, 5. Last evaluated: 2024-01-19. Review status: criteria provided, single submitter. Criteria: Invitae Variant Classification Sherloc (09022015). Collection method: clinical testing. Allele origin: germline.
Comment: This sequence change replaces arginine, which is basic and polar, with histidine, which is basic and polar, at codon 432 of the CNTN2 protein (p.Arg432His). This variant is present in population databases (rs200098924, gnomAD 0.01%). This variant has not been reported in the literature in individuals affected with CNTN2-related conditions. ClinVar contains an entry for this variant (Variation ID: 571898). Advanced modeling of protein sequence and biophysical properties (such as structural, functional, and spatial information, amino acid conservation, physicochemical variation, residue mobility, and thermodynamic stability) performed at Invitae indicates that this missense variant is not expected to disrupt CNTN2 protein function with a negative predictive value of 95%. In summary, the available evidence is currently insufficient to determine the role of this variant in disease. Therefore, it has been classified as a Variant of Uncertain Significance.